The following is an entry in ClinVar:

NM_003244.4(TGIF1):c.489G>A (p.Pro163=)

Gene: TGIF1 (TGFB induced factor homeobox 1; plus strand). Cytogenetic location: 18p11.31.
Variant type: single nucleotide variant.
Coding change: c.489G>A on transcript NM_003244.4 (MANE Select); coding-DNA position 489, G replaced by A.
Protein change: p.Pro163=; no amino-acid change (proline 163 retained).
Molecular consequence: synonymous variant.
Genome position (GRCh38, 1-based): chr18:3,457,610, G>A. VCF-style: chr18-3457610-G-A. GRCh37 (hg19) VCF-style: chr18-3457608-G-A.
Other names: c.489G>A (NM_003244.2, NM_003244.3); c.498G>A, p.Pro166= (NM_001278682.2); c.489G>A, p.Pro163= (NM_001278684.2, NM_173208.3); c.429G>A, p.Pro143= (NM_001278686.3, NM_001374396.1, NM_001374397.1 and 5 more transcripts); c.531G>A, p.Pro177= (NM_173207.4).
Identifiers: ClinVar variation 326708 (VCV000326708.21), dbSNP rs2229334, ClinGen allele CA8875965.

ClinVar aggregate classification (germline): Benign. Review status: criteria provided, multiple submitters, no conflicts (2 of 4 stars). 5 submissions from 5 submitters: Benign (4). 1 of the submissions does not count toward it. Last evaluated 2026-01-27.

Conditions:
Holoprosencephaly 4 (HPE4). Identifiers: Orphanet 2162, MedGen C1840528, MONDO:0007734, OMIM 142946.
TGIF1-related disorder. Also called: TGIF1-related condition.

Allele frequency attached by ClinVar (database versions not stated): gnomAD exomes 0.00151 and 0.00352; ExAC 0.00412; 1000 Genomes Project 0.00958; 1000 Genomes Project 30x 0.01077; gnomAD 0.01097 and 0.01168; TOPMed 0.01285; ESP Exome Variant Server 0.01407.
gnomAD v4.1: 4,016 of 1,614,118 alleles (0.25%); highest among the groups gnomAD compares: African/African-American, 3.6%; 54 homozygotes.

Submissions (8):

Labcorp Genetics (formerly Invitae), Labcorp
Classification: Benign for Holoprosencephaly 4. Last evaluated: 2026-01-27. Review status: criteria provided, single submitter. Criteria: Invitae Variant Classification Sherloc (09022015). Collection method: clinical testing. Allele origin: germline.

Illumina Laboratory Services, Illumina
Classification: Benign for Holoprosencephaly 4. Last evaluated: 2018-01-13. Review status: criteria provided, single submitter. Criteria: ICSL Variant Classification Criteria 13 December 2019. Collection method: clinical testing. Allele origin: germline.
Comment: This variant was observed in the ICSL laboratory as part of a predisposition screen in an ostensibly healthy population. It had not been previously curated by ICSL or reported in the Human Gene Mutation Database (HGMD: prior to June 1st, 2018), and was therefore a candidate for classification through an automated scoring system. Utilizing variant allele frequency, disease prevalence and penetrance estimates, and inheritance mode, an automated score was calculated to assess if this variant is too frequent to cause the disease. Based on the score and internal cut-off values, a variant classified as benign is not then subjected to further curation. The score for this variant resulted in a classification of benign for this disease.

GeneDx
Classification: Benign. Last evaluated: 2015-03-03. Review status: criteria provided, single submitter. Criteria: GeneDx Variant Classification Process June 2021. Collection method: clinical testing. Allele origin: germline. Affected: yes.

Breakthrough Genomics
Classification: Benign. Review status: criteria provided, single submitter. Criteria: ACMG Guidelines, 2015. Collection method: not provided. Allele origin: germline. Inheritance: Autosomal dominant inheritance. Affected: yes.

PreventionGenetics, part of Exact Sciences
Classification: Benign for TGIF1-related condition. Last evaluated: 2019-05-01. Review status: no assertion criteria provided. Collection method: clinical testing. Allele origin: germline. Not counted in ClinVar's aggregate classification.
Comment: This variant is classified as benign based on ACMG/AMP sequence variant interpretation guidelines (Richards et al. 2015 PMID: 25741868, with internal and published modifications).

Dr. Peter K. Rogan Lab, Western University
No classification provided (evidence only). Condition: Clear cell carcinoma of kidney. Review status: no classification provided. Collection method: in vitro. Allele origin: not applicable. Functional consequence: retained intron. Not counted in ClinVar's aggregate classification.

Dr. Peter K. Rogan Lab, Western University
No classification provided (evidence only). Condition: Uterine corpus endometrial carcinoma. Review status: no classification provided. Collection method: in vitro. Allele origin: not applicable. Functional consequence: retained intron. Not counted in ClinVar's aggregate classification.

Dr. Peter K. Rogan Lab, Western University
No classification provided (evidence only). Condition: Hepatocellular carcinoma. Review status: no classification provided. Collection method: in vitro. Allele origin: not applicable. Functional consequence: retained intron. Not counted in ClinVar's aggregate classification.